The following is an entry in ClinVar:

NM_001287.6(CLCN7):c.*1572C>T

Gene: CLCN7 (chloride voltage-gated channel 7; minus strand). Cytogenetic location: 16p13.3.
Variant type: single nucleotide variant.
Coding change: c.*1572C>T on transcript NM_001287.6 (MANE Select); 1572 bases downstream of the stop codon, C replaced by T.
Molecular consequence: 3 prime UTR variant.
Genome position (GRCh38, 1-based): chr16:1,445,059, G>A on the plus strand (C>T on the coding strand, the complement: CLCN7 is on the minus strand). VCF-style: chr16-1445059-G-A. GRCh37 (hg19) VCF-style: chr16-1495060-G-A.
Other names: c.*1572C>T (NM_001114331.3).
Identifiers: ClinVar variation 887171 (VCV000887171.4), dbSNP rs539134149, ClinGen allele CA276665520.
Genomic context (GRCh38, chr16:1,445,059, plus strand): 5'-AGTACACAACCACCACGAGGGAAACCCAGACCTAGGTTTCCGGCGCCGACTCTGAGGCCC[G>A]GGAGTTTTCTTCTTGCGTCACCCCAGCGTGGGCACCCCGGCCCGCCCCCCTCCACCTGGA-3'

ClinVar aggregate classification (germline): Likely benign (1 of 4 stars; one submission).

Conditions:
Osteopetrosis. Identifiers: Orphanet 2781, MedGen C0029454, MONDO:0017198, HP:0011002.

Allele frequency attached by ClinVar (database versions not stated): 1000 Genomes Project 0.00080; 1000 Genomes Project 30x 0.00141; TOPMed 0.00248; gnomAD 0.00264; gnomAD exomes 0.02273.

Submission:

Illumina Laboratory Services, Illumina
Classification: Likely benign for Osteopetrosis. Last evaluated: 2018-01-13. Review status: criteria provided, single submitter. Criteria: ICSL Variant Classification Criteria 13 December 2019. Collection method: clinical testing. Allele origin: germline.
Comment: This variant was observed in the ICSL laboratory as part of a predisposition screen in an ostensibly healthy population. It had not been previously curated by ICSL or reported in the Human Gene Mutation Database (HGMD: prior to June 1st, 2018), and was therefore a candidate for classification through an automated scoring system. Utilizing variant allele frequency, disease prevalence and penetrance estimates, and inheritance mode, an automated score was calculated to assess if this variant is too frequent to cause the disease. Based on the score and internal cut-off values, a variant classified as likely benign is not then subjected to further curation. The score for this variant resulted in a classification of likely benign for this disease.